The following is an entry in ClinVar:

NM_000059.4(BRCA2):c.3867dup (p.Cys1290fs)

Gene: BRCA2 (BRCA2 DNA repair associated; plus strand). Cytogenetic location: 13q13.1.
Variant type: Duplication.
Coding change: c.3867dup on transcript NM_000059.4 (MANE Select); coding-DNA position 3867, one base duplicated (A; older notation c.3867dupA).
Protein change: p.Cys1290fs; shifts the reading frame from cysteine 1290.
Molecular consequence: frameshift variant.
Genome position (GRCh38, 1-based): chr13:32,338,222, A duplicated; the last of 3 consecutive A bases (chr13:32,338,220-32,338,222); duplicating any one gives the same sequence. VCF-style (leftmost placement, unchanged base first): chr13-32338219-T-TA. GRCh37 (hg19) VCF-style: chr13-32912356-T-TA.
Other names: 4095dupA; short protein forms C1290fs.
Identifiers: ClinVar variation 266779 (VCV000266779.5), dbSNP rs397507694, ClinGen allele CA10589229.
Genomic context (GRCh38, chr13:32,338,219, plus strand): 5'-TGTTGTTTCAATGTTTAAGATAGAAAATCATAATGATAAAACTGTAAGTGAAAAAAATAA[T>TA]AAATGCCAACTGATATTACAAAATAATATTGAAATGACTACTGGCACTTTTGTTGAAGAA-3'

ClinVar aggregate classification (germline): Pathogenic. Review status: reviewed by expert panel (3 of 4 stars). 2 submissions from 2 submitters: Pathogenic (1). 1 of the submissions does not count toward it. Last evaluated 2016-10-18.

Conditions:
Breast-ovarian cancer, familial, susceptibility to, 2 (BROVCA2). Also called: BRCA2 Hereditary Breast and Ovarian Cancer. Identifiers: Orphanet 145, MedGen C2675520, MONDO:0012933, OMIM 612555. Disease mechanism: loss of function.

Submissions (2):

Evidence-based Network for the Interpretation of Germline Mutant Alleles (ENIGMA)
Classification: Pathogenic for Breast-ovarian cancer, familial, susceptibility to, 2. Last evaluated: 2016-10-18. Review status: reviewed by expert panel. Criteria: ENIGMA BRCA1/2 Classification Criteria (2015). Collection method: curation. Allele origin: germline.
Comment: Variant allele predicted to encode a truncated non-functional protein.

Consortium of Investigators of Modifiers of BRCA1/2 (CIMBA), c/o University of Cambridge
Classification: Pathogenic for Breast-ovarian cancer, familial, susceptibility to, 2. Last evaluated: 2015-10-02. Review status: criteria provided, single submitter. Criteria: CIMBA Mutation Classification guidelines May 2016. Collection method: clinical testing. Allele origin: germline. Not counted in ClinVar's aggregate classification.